The following is an entry in ClinVar:

ClinVar aggregate classification (germline): Uncertain significance (1 of 4 stars; one submission).

Conditions:
SMARCC1-related disorder. Also called: SMARCC1-related condition.

Submission:

PreventionGenetics, part of Exact Sciences
Classification: Uncertain significance for SMARCC1-related condition. Last evaluated: 2023-05-15. Review status: criteria provided, single submitter. Criteria: ACMG Guidelines, 2015. Collection method: clinical testing. Allele origin: germline.
Comment: The SMARCC1 c.2767A>G variant is predicted to result in the amino acid substitution p.Arg923Gly. To our knowledge, this variant has not been reported in the literature or in a large population database, indicating this variant is rare. At this time, the clinical significance of this variant is uncertain due to the absence of conclusive functional and genetic evidence.

NM_003074.4(SMARCC1):c.2767A>G (p.Arg923Gly)

Gene: SMARCC1 (SWI/SNF related BAF chromatin remodeling complex subunit C1; minus strand). Cytogenetic location: 3p21.31.
Variant type: single nucleotide variant.
Coding change: c.2767A>G on transcript NM_003074.4 (MANE Select); coding-DNA position 2767, A replaced by G.
Protein change: p.Arg923Gly; replaces arginine 923 with glycine.
Molecular consequence: missense variant.
Genome position (GRCh38, 1-based): chr3:47,622,221, T>C on the plus strand (A>G on the coding strand, the complement: SMARCC1 is on the minus strand). VCF-style: chr3-47622221-T-C. GRCh37 (hg19) VCF-style: chr3-47663711-T-C.
Other names: short protein forms R923G.
Identifiers: ClinVar variation 2633230 (VCV002633230.1), dbSNP rs1277005296, ClinGen allele CA352569205.